The following is an entry in ClinVar:

ClinVar aggregate classification (germline): Conflicting classifications of pathogenicity. Review status: criteria provided, conflicting classifications (1 of 4 stars). 4 submissions from 4 submitters: Uncertain significance (1); Likely benign (3). Last evaluated 2026-06-28.

Conditions:
Cone dystrophy with supernormal rod response (CDSRR). Also called: CONE DYSTROPHY WITH SUPERNORMAL ROD RESPONSES. Identifiers: Orphanet 209932, MedGen C1835897, MONDO:0012475, OMIM 610356.
KCNV2-related disorder. Also called: KCNV2-related condition.

Allele frequency attached by ClinVar (database versions not stated): TOPMed 0.00008; ExAC 0.00010.

Submissions (4):

PreventionGenetics, part of Exact Sciences
Classification: Likely benign for KCNV2-related condition. Last evaluated: 2026-06-28. Review status: criteria provided, single submitter. Criteria: ACMG Guidelines, 2015. Collection method: clinical testing. Allele origin: germline.
Comment: This variant is classified as likely benign based on ACMG/AMP sequence variant interpretation guidelines (Richards et al. 2015 PMID: 25741868, with internal and published modifications).

Labcorp Genetics (formerly Invitae), Labcorp
Classification: Likely benign. Last evaluated: 2025-07-02. Review status: criteria provided, single submitter. Criteria: Invitae Variant Classification Sherloc (09022015). Collection method: clinical testing. Allele origin: germline.

Blueprint Genetics
Classification: Likely benign. Last evaluated: 2024-07-08. Review status: criteria provided, single submitter. Criteria: ACMG Guidelines, 2015. Collection method: clinical testing. Allele origin: germline.

Illumina Laboratory Services, Illumina
Classification: Uncertain significance for Cone dystrophy with supernormal rod response. Last evaluated: 2017-04-27. Review status: criteria provided, single submitter. Criteria: ICSL Variant Classification Criteria 13 December 2019. Collection method: clinical testing. Allele origin: germline.

NM_133497.4(KCNV2):c.328C>T (p.Leu110=)

Gene: KCNV2 (potassium voltage-gated channel modifier subfamily V member 2; plus strand). Cytogenetic location: 9p24.2.
Variant type: single nucleotide variant.
Coding change: c.328C>T on transcript NM_133497.4 (MANE Select); coding-DNA position 328, C replaced by T.
Protein change: p.Leu110=; no amino-acid change (leucine 110 retained).
Molecular consequence: synonymous variant.
Genome position (GRCh38, 1-based): chr9:2,718,067, C>T. VCF-style: chr9-2718067-C-T. GRCh37 (hg19) VCF-style: chr9-2718067-C-T.
Identifiers: ClinVar variation 914686 (VCV000914686.14), dbSNP rs372942165, ClinGen allele CA4965411.